The following is an entry in ClinVar:

NM_001114753.3(ENG):c.588G>A (p.Trp196Ter)

Gene: ENG (endoglin; minus strand). Cytogenetic location: 9q34.11.
Variant type: single nucleotide variant.
Coding change: c.588G>A on transcript NM_001114753.3 (MANE Select); coding-DNA position 588, G replaced by A.
Protein change: p.Trp196Ter; replaces tryptophan 196 with a stop codon.
Molecular consequence: nonsense.
Genome position (GRCh38, 1-based): chr9:127,825,796, C>T on the plus strand (G>A on the coding strand, the complement: ENG is on the minus strand). VCF-style: chr9-127825796-C-T. GRCh37 (hg19) VCF-style: chr9-130588075-C-T.
Other names: p.Trp196*; c.588G>A, p.Trp196Ter (NM_000118.4, NM_001406715.1); c.42G>A, p.Trp14Ter (NM_001278138.2); short protein forms W14*, W196*.
Identifiers: ClinVar variation 810946 (VCV000810946.14), dbSNP rs1588582860, ClinGen allele CA374983674.

ClinVar aggregate classification (germline): Pathogenic. Review status: criteria provided, multiple submitters, no conflicts (2 of 4 stars). 4 submissions from 4 submitters: Pathogenic (4). Last evaluated 2025-08-15.

Conditions:
ENG-related disorder. Also called: ENG-related condition; ENG-related disorders.
Hereditary hemorrhagic telangiectasia (HHT). Also called: ORW DISEASE; Osler Weber Rendu syndrome; OSLER-RENDU-WEBER DISEASE; Osler hemorrhagic telangiectasia syndrome. Identifiers: Orphanet 774, MedGen C0039445, MONDO:0019180. Disease mechanism: loss of function.
Telangiectasia, hereditary hemorrhagic, type 1 (HHT1). Also called: Osler Weber Rendu syndrome type 1; ENG-Related Hereditary Hemorrhagic Telangiectasia. Identifiers: Orphanet 774, MedGen C4551861, MONDO:0008535, OMIM 187300. Disease mechanism: loss of function.

Submissions (4):

Mayo Clinic Laboratories, Mayo Clinic
Classification: Pathogenic. Last evaluated: 2025-08-15. Review status: criteria provided, single submitter. Criteria: ACMG Guidelines, 2015. Collection method: clinical testing. Allele origin: germline. Observed: 1 variant allele.
Comment: PP4_moderate, PM2_supporting, PVS1

Labcorp Genetics (formerly Invitae), Labcorp
Classification: Pathogenic for Hereditary hemorrhagic telangiectasia. Last evaluated: 2025-03-05. Review status: criteria provided, single submitter. Criteria: Invitae Variant Classification Sherloc (09022015). Collection method: clinical testing. Allele origin: germline.
Comment: This sequence change creates a premature translational stop signal (p.Trp196*) in the ENG gene. It is expected to result in an absent or disrupted protein product. Loss-of-function variants in ENG are known to be pathogenic (PMID: 15879500). This variant is not present in population databases (gnomAD no frequency). This premature translational stop signal has been observed in individual(s) with hereditary hemorrhagic telangiectasia (PMID: 12673790). ClinVar contains an entry for this variant (Variation ID: 810946). For these reasons, this variant has been classified as Pathogenic.

Blueprint Genetics
Classification: Pathogenic for ENG-related disorders. Last evaluated: 2020-11-20. Review status: criteria provided, single submitter. Criteria: ACMG Guidelines, 2015. Collection method: clinical testing. Allele origin: germline. Affected: yes. Observed: 1 variant allele.

ARUP Laboratories, Molecular Genetics and Genomics, ARUP Laboratories
Classification: Pathogenic for Telangiectasia, hereditary hemorrhagic, type 1. Last evaluated: 2019-05-01. Review status: criteria provided, single submitter. Criteria: ARUP Molecular Germline Variant Investigation Process. Collection method: clinical testing. Allele origin: germline.
Comment: The ENG c.588G>A; This variant is absent from general population databases (Exome Variant Server, Genome Aggregation Database), indicating it is not a common polymorphism. This variant induces an early termination codon and is predicted to result in a truncated protein or mRNA subject to nonsense-mediated decay. Based on available information, this variant is considered to be pathogenic. REFERENCES Cymerman U et al. Characterization of 17 novel endoglin mutations associated with hereditary hemorrhagic telangiectasia. Hum Mutat. 2003 May;21(5):482-92.

Literature cited by the submitters: PubMed 12673790 (cited by Mayo Clinic Laboratories, Mayo Clinic and Labcorp Genetics (formerly Invitae), Labcorp); PubMed 15879500 (cited by Mayo Clinic Laboratories, Mayo Clinic and Labcorp Genetics (formerly Invitae), Labcorp); PubMed 25525159 (cited by Mayo Clinic Laboratories, Mayo Clinic); PubMed 38631080 (cited by Mayo Clinic Laboratories, Mayo Clinic).